The following is an entry in ClinVar:

NR_002196.3(H19):n.1475G>A

Genes: H19 (H19 imprinted maternally expressed transcript; minus strand), HOTS (H19 opposite tumor suppressor; plus strand), MRPL23 (mitochondrial ribosomal protein L23; plus strand). Cytogenetic location: 11p15.5.
Variant type: single nucleotide variant.
Molecular consequence: non-coding transcript variant (on NR_002196.3). On other transcripts: intron variant (1).
Genome position: GRCh38 VCF-style: chr11-1996177-C-T. GRCh37 (hg19) VCF-style: chr11-2017407-C-T.
Other names: c.498-15364C>T (NM_001400176.1).
Identifiers: ClinVar variation 3234180 (VCV003234180.19), dbSNP rs377382896, ClinGen allele CA5817335.

ClinVar aggregate classification (germline): Benign (1 of 4 stars; one submission).

Allele frequency attached by ClinVar (database versions not stated): ExAC 0.00299; 1000 Genomes Project 0.00060; ESP Exome Variant Server 0.00087.

Submission:

CeGaT Center for Human Genetics Tuebingen
Classification: Benign. Last evaluated: 2024-04-01. Review status: criteria provided, single submitter. Criteria: CeGaT Center For Human Genetics Tuebingen Variant Classification Criteria Version 2. Collection method: clinical testing. Allele origin: germline. Affected: yes. Observed: 1 variant allele.
Comment: H19: BS1, BS2